The following is an entry in ClinVar:

NM_001204.7(BMPR2):c.2684T>C (p.Leu895Pro)

Gene: BMPR2 (bone morphogenetic protein receptor type 2; plus strand). Cytogenetic location: 2q33.2.
Variant type: single nucleotide variant.
Coding change: c.2684T>C on transcript NM_001204.7 (MANE Select); coding-DNA position 2684, T replaced by C.
Protein change: p.Leu895Pro; replaces leucine 895 with proline.
Molecular consequence: missense variant.
Genome position (GRCh38, 1-based): chr2:202,556,349, T>C. VCF-style: chr2-202556349-T-C. GRCh37 (hg19) VCF-style: chr2-203421072-T-C.
Other names: short protein forms L895P.
Identifiers: ClinVar variation 3824917 (VCV003824917.1).

ClinVar aggregate classification (germline): Uncertain significance (1 of 4 stars; one submission).

Conditions:
Inborn genetic diseases. Identifiers: MedGen C0950123, MeSH D030342.

gnomAD v4.1: 1 of 1,614,212 alleles (0.000062%); highest among the groups gnomAD compares: African/African-American, 0.0013%; no homozygotes.

Submission:

Ambry Genetics
Classification: Uncertain significance for Inborn genetic diseases. Last evaluated: 2025-02-16. Review status: criteria provided, single submitter. Criteria: Ambry Variant Classification Scheme 2023. Collection method: clinical testing. Allele origin: germline.
Comment: The p.L895P variant (also known as c.2684T>C), located in coding exon 12 of the BMPR2 gene, results from a T to C substitution at nucleotide position 2684. The leucine at codon 895 is replaced by proline, an amino acid with similar properties. This amino acid position is conserved. In addition, the in silico prediction for this alteration is inconclusive. Based on the available evidence, the clinical significance of this variant remains unclear.